The following is an entry in ClinVar:

NC_000007.13:g.(?_5756327)_(5792630_?)dup

Gene: RNF216 (ring finger protein 216; minus strand). Cytogenetic location: 7p22.1.
Variant type: Duplication.
Identifiers: ClinVar variation 3245944 (VCV003245944.1).

ClinVar aggregate classification (germline): Likely pathogenic (1 of 4 stars; one submission).

Submission:

Labcorp Genetics (formerly Invitae), Labcorp
Classification: Likely pathogenic. Last evaluated: 2023-02-16. Review status: criteria provided, single submitter. Criteria: Invitae Variant Classification Sherloc (09022015). Collection method: clinical testing. Allele origin: unknown.
Comment: This variant results in a copy number gain of the genomic region encompassing exon(s) 3-10 of the RNF216 gene. While the exact position of this variant cannot be determined from the data, sub-genic copy number gains are generally in tandem (PMID: 25640679). This variant is predicted to be out-of-frame, and may result in an absent or disrupted protein product. Loss-of-function variants in RNF216 are known to be pathogenic (PMID: 24108619, 25841028). This variant has not been reported in the literature in individuals affected with RNF216-related conditions. In summary, the currently available evidence indicates that the variant is pathogenic, but additional data are needed to prove that conclusively. Therefore, this variant has been classified as Likely Pathogenic.

Literature cited by the submitters: PubMed 25640679; PubMed 24108619; PubMed 25841028.